The following is an entry in ClinVar:

NM_000535.7(PMS2):c.1229A>G (p.Glu410Gly)

Gene: PMS2 (PMS1 homolog 2, mismatch repair system component; minus strand). Cytogenetic location: 7p22.1.
Variant type: single nucleotide variant.
Coding change: c.1229A>G on transcript NM_000535.7 (MANE Select); coding-DNA position 1229, A replaced by G.
Protein change: p.Glu410Gly; replaces glutamic acid 410 with glycine.
Molecular consequence: missense variant. On other transcripts: non-coding transcript variant (1).
Genome position (GRCh38, 1-based): chr7:5,987,536, T>C on the plus strand (A>G on the coding strand, the complement: PMS2 is on the minus strand). VCF-style: chr7-5987536-T-C. GRCh37 (hg19) VCF-style: chr7-6027167-T-C.
Other names: c.905A>G, p.Glu302Gly (NM_001406884.1); c.893A>G, p.Glu298Gly (NM_001406885.1); c.863A>G, p.Glu288Gly (NM_001406886.1); c.824A>G, p.Glu275Gly (NM_001406887.1, NM_001406888.1, NM_001406889.1 and 17 more transcripts); c.764A>G, p.Glu255Gly (NM_001406900.1); c.755A>G, p.Glu252Gly (NM_001406901.1, NM_001406902.1); c.911A>G, p.Glu304Gly (NM_001406903.1, NM_001322007.2, NM_001322008.2 and 2 more transcripts); c.716A>G, p.Glu239Gly (NM_001406904.1, NM_001406905.1); and 12 more; short protein forms E223G, E344G, E354G, E374G, E255G, E275G, E304G, E418G.
Identifiers: ClinVar variation 1754957 (VCV001754957.2), dbSNP rs2128735795, ClinGen allele CA366742523.

ClinVar aggregate classification (germline): Uncertain significance (1 of 4 stars; one submission).

Conditions:
Hereditary cancer-predisposing syndrome. Also called: Neoplastic Syndromes, Hereditary; Tumor predisposition; Hereditary Cancer Syndrome; Hereditary neoplastic syndrome. Identifiers: Orphanet 140162, MedGen C0027672, MeSH D009386, MONDO:0015356.

Submission:

Ambry Genetics
Classification: Uncertain significance for Hereditary cancer-predisposing syndrome. Last evaluated: 2022-02-26. Review status: criteria provided, single submitter. Criteria: Ambry Variant Classification Scheme 2023. Collection method: clinical testing. Allele origin: germline.
Comment: The p.E410G variant (also known as c.1229A>G), located in coding exon 11 of the PMS2 gene, results from an A to G substitution at nucleotide position 1229. The glutamic acid at codon 410 is replaced by glycine, an amino acid with similar properties. This amino acid position is conserved. In addition, this alteration is predicted to be tolerated by in silico analysis. Since supporting evidence is limited at this time, the clinical significance of this alteration remains unclear.